The following is an entry in ClinVar:

ClinVar aggregate classification (germline): Likely benign (1 of 4 stars; one submission).

Submission:

CeGaT Center for Human Genetics Tuebingen
Classification: Likely benign. Last evaluated: 2023-05-01. Review status: criteria provided, single submitter. Criteria: CeGaT Center For Human Genetics Tuebingen Variant Classification Criteria Version 2. Collection method: clinical testing. Allele origin: germline. Affected: yes. Observed: 1 variant allele.
Comment: MYH6: PM2:Supporting, BP4, BP7

NM_002471.4(MYH6):c.438G>A (p.Lys146=)

Genes: MYH6 (myosin heavy chain 6; minus strand), LOC114827851 (VISTA enhancer hs2155; plus strand). Cytogenetic location: 14q11.2.
Variant type: single nucleotide variant.
Coding change: c.438G>A on transcript NM_002471.4 (MANE Select); coding-DNA position 438, G replaced by A.
Protein change: p.Lys146=; no amino-acid change (lysine 146 retained).
Molecular consequence: synonymous variant.
Genome position (GRCh38, 1-based): chr14:23,405,287, C>T on the plus strand (G>A on the coding strand, the complement: MYH6 is on the minus strand). VCF-style: chr14-23405287-C-T. GRCh37 (hg19) VCF-style: chr14-23874496-C-T.
Identifiers: ClinVar variation 2644102 (VCV002644102.24), dbSNP rs2502207553, ClinGen allele CA485765835.
Genomic context (GRCh38, chr14:23,405,287, plus strand): 5'-CAGCATGTACTGATAGGCGTTGTCGGAGATGGAGAAGATGTGGGGCGGGGCCTCACTCCT[C>T]TTCTTGCCCCGGTAGGCGGCCACCACCTCGGCATTGTACACCGGCAGCCACTTGTAGGGG-3'
Protein context (NP_002462.2, residues 136-156): AEVVAAYRGK[Lys146=]RSEAPPHIFS